The following is an entry in ClinVar:

ClinVar aggregate classification (germline): Uncertain significance (1 of 4 stars; one submission).

Conditions:
Hereditary cancer-predisposing syndrome. Also called: Tumor predisposition; Hereditary Cancer Syndrome; Neoplastic Syndromes, Hereditary; Hereditary neoplastic syndrome. Identifiers: Orphanet 140162, MedGen C0027672, MeSH D009386, MONDO:0015356.

Submission:

Color Diagnostics, LLC DBA Color Health
Classification: Uncertain significance for Hereditary cancer-predisposing syndrome. Last evaluated: 2025-07-07. Review status: criteria provided, single submitter. Criteria: ACMG Guidelines, 2015. Collection method: clinical testing. Allele origin: germline.
Comment: This missense variant replaces isoleucine with lysine at codon 396 of the ATM protein. Computational prediction suggests that this variant may not impact protein structure and function. To our knowledge, functional studies have not been reported for this variant. This variant has not been reported in individuals affected with ATM-related disorders in the literature. This variant has not been identified in the general population by the Genome Aggregation Database (gnomAD). The available evidence is insufficient to determine the role of this variant in disease conclusively. Therefore, this variant is classified as a Variant of Uncertain Significance.

NM_000051.4(ATM):c.1187T>A (p.Ile396Lys)

Gene: ATM (ATM serine/threonine kinase; plus strand). Cytogenetic location: 11q22.3.
Variant type: single nucleotide variant.
Coding change: c.1187T>A on transcript NM_000051.4 (MANE Select); coding-DNA position 1187, T replaced by A.
Protein change: p.Ile396Lys; replaces isoleucine 396 with lysine.
Molecular consequence: missense variant.
Genome position (GRCh38, 1-based): chr11:108,249,054, T>A. VCF-style: chr11-108249054-T-A. GRCh37 (hg19) VCF-style: chr11-108119781-T-A.
Other names: c.1187T>A, p.Ile396Lys (NM_001351834.2); short protein forms I396K.
Identifiers: ClinVar variation 4757434 (VCV004757434.1).
Genomic context (GRCh38, chr11:108,249,054, plus strand): 5'-AATCTAGTGATTACAGTGTCCCTTGCAAAAGGAAGAAAATAGAACTAGGCTGGGAAGTAA[T>A]AAAAGATCACCTTCAGAAGTCACAGAATGATTTTGATCTTGTGCCTTGGTAAAGTGTTAC-3'
Protein context (NP_000042.3, residues 386-406): RKKIELGWEV[Ile396Lys]KDHLQKSQND